The following is an entry in ClinVar:

ClinVar aggregate classification (germline): Uncertain significance (1 of 4 stars; one submission).

Conditions:
Tay-Sachs disease (TSD). Also called: Hexosaminidase A Deficiency; HEXA DEFICIENCY; HEXA Disorders; GM2 gangliosidosis, type 1; Hexosaminidase alpha-subunit deficiency (variant B); Sphingolipidosis, Tay-Sachs. Identifiers: Orphanet 845, MedGen C0039373, MONDO:0010100, OMIM 272800.

Allele frequency attached by ClinVar (database versions not stated): gnomAD exomes 0.00004.
gnomAD v4.1: 31 of 1,613,136 alleles (0.0019%); highest among the groups gnomAD compares: Non-Finnish European, 0.0025%; no homozygotes.

Submission:

Labcorp Genetics (formerly Invitae), Labcorp
Classification: Uncertain significance for Tay-Sachs disease. Last evaluated: 2022-04-24. Review status: criteria provided, single submitter. Criteria: Invitae Variant Classification Sherloc (09022015). Collection method: clinical testing. Allele origin: germline.
Comment: This sequence change replaces aspartic acid, which is acidic and polar, with asparagine, which is neutral and polar, at codon 337 of the HEXA protein (p.Asp337Asn). This variant is not present in population databases (gnomAD no frequency). This variant has not been reported in the literature in individuals affected with HEXA-related conditions. Algorithms developed to predict the effect of missense changes on protein structure and function output the following: SIFT: "Tolerated"; PolyPhen-2: "Benign"; Align-GVGD: "Class C0". The asparagine amino acid residue is found in multiple mammalian species, which suggests that this missense change does not adversely affect protein function. In summary, the available evidence is currently insufficient to determine the role of this variant in disease. Therefore, it has been classified as a Variant of Uncertain Significance.

NM_000520.6(HEXA):c.1009G>A (p.Asp337Asn)

Gene: HEXA (hexosaminidase subunit alpha; minus strand). Cytogenetic location: 15q23.
Variant type: single nucleotide variant.
Coding change: c.1009G>A on transcript NM_000520.6 (MANE Select); coding-DNA position 1009, G replaced by A.
Protein change: p.Asp337Asn; replaces aspartic acid 337 with asparagine.
Molecular consequence: missense variant. On other transcripts: non-coding transcript variant (1).
Genome position (GRCh38, 1-based): chr15:72,348,112, C>T on the plus strand (G>A on the coding strand, the complement: HEXA is on the minus strand). VCF-style: chr15-72348112-C-T. GRCh37 (hg19) VCF-style: chr15-72640453-C-T.
Other names: c.1042G>A, p.Asp348Asn (NM_001318825.2); short protein forms D337N, D348N.
Identifiers: ClinVar variation 1928955 (VCV001928955.2), dbSNP rs2542520536, ClinGen allele CA393061971.